The following is an entry in ClinVar:

NM_000179.3(MSH6):c.3350G>A (p.Cys1117Tyr)

Gene: MSH6 (mutS homolog 6; plus strand). Cytogenetic location: 2p16.3.
Variant type: single nucleotide variant.
Coding change: c.3350G>A on transcript NM_000179.3 (MANE Select); coding-DNA position 3350, G replaced by A.
Protein change: p.Cys1117Tyr; replaces cysteine 1117 with tyrosine.
Molecular consequence: missense variant.
Genome position (GRCh38, 1-based): chr2:47,803,597, G>A. VCF-style: chr2-47803597-G-A. GRCh37 (hg19) VCF-style: chr2-48030736-G-A.
Other names: c.2960G>A, p.Cys987Tyr (NM_001281492.2); c.2444G>A, p.Cys815Tyr (NM_001281493.2, NM_001281494.2); short protein forms C1117Y, C987Y, C815Y.
Identifiers: ClinVar variation 234689 (VCV000234689.14), dbSNP rs773245315, ClinGen allele CA10577287.

ClinVar aggregate classification (germline): Uncertain significance. Review status: criteria provided, multiple submitters, no conflicts (2 of 4 stars). 6 submissions from 6 submitters: Uncertain significance (6). Last evaluated 2025-07-29.

Conditions:
Hereditary cancer-predisposing syndrome. Also called: Hereditary neoplastic syndrome; Hereditary Cancer Syndrome; Neoplastic Syndromes, Hereditary; Tumor predisposition. Identifiers: Orphanet 140162, MedGen C0027672, MeSH D009386, MONDO:0015356.
Hereditary nonpolyposis colorectal neoplasms. Identifiers: MedGen C0009405, MeSH D003123.
Lynch syndrome. Identifiers: Orphanet 144, MedGen C4552100, MONDO:0005835. Disease mechanism: loss of function.

Submissions (6):

Quest Diagnostics Nichols Institute San Juan Capistrano
Classification: Uncertain significance. Last evaluated: 2025-07-29. Review status: criteria provided, single submitter. Criteria: Quest Diagnostics criteria. Collection method: clinical testing. Allele origin: unknown.
Comment: The MSH6 c.3350G>A (p.Cys1117Tyr) variant has been reported in the published literature in an individual with colorectal cancer (PMID: 29245953 (2017)), and in a reportedly unaffected individual (PMID: 33471991 (2021), see also LOVD). This variant has not been reported in large, multi-ethnic general populations (Genome Aggregation Database). Analysis of this variant using bioinformatics tools for the prediction of the effect of amino acid changes on protein structure and function yielded conflicting predictions that this variant is benign or damaging. Based on the available information, we are unable to determine the clinical significance of this variant.

Ambry Genetics
Classification: Uncertain significance for Hereditary cancer-predisposing syndrome. Last evaluated: 2025-06-04. Review status: criteria provided, single submitter. Criteria: Ambry Variant Classification Scheme 2023. Collection method: clinical testing. Allele origin: germline.
Comment: The p.C1117Y variant (also known as c.3350G>A), located in coding exon 5 of the MSH6 gene, results from a G to A substitution at nucleotide position 3350. The cysteine at codon 1117 is replaced by tyrosine, an amino acid with highly dissimilar properties. This amino acid position is well conserved in available vertebrate species. In addition, the in silico prediction for this alteration is inconclusive. Based on the available evidence, the clinical significance of this variant remains unclear.

Labcorp Genetics (formerly Invitae), Labcorp
Classification: Uncertain significance for Hereditary nonpolyposis colorectal neoplasms. Last evaluated: 2025-04-16. Review status: criteria provided, single submitter. Criteria: Invitae Variant Classification Sherloc (09022015). Collection method: clinical testing. Allele origin: germline.
Comment: This sequence change replaces cysteine, which is neutral and slightly polar, with tyrosine, which is neutral and polar, at codon 1117 of the MSH6 protein (p.Cys1117Tyr). This variant is not present in population databases (gnomAD no frequency). This variant has not been reported in the literature in individuals affected with MSH6-related conditions. ClinVar contains an entry for this variant (Variation ID: 234689). Invitae Evidence Modeling of protein sequence and biophysical properties (such as structural, functional, and spatial information, amino acid conservation, physicochemical variation, residue mobility, and thermodynamic stability) indicates that this missense variant is not expected to disrupt MSH6 protein function with a negative predictive value of 95%. In summary, the available evidence is currently insufficient to determine the role of this variant in disease. Therefore, it has been classified as a Variant of Uncertain Significance.

All of Us Research Program, National Institutes of Health
Classification: Uncertain significance for Lynch syndrome. Last evaluated: 2024-02-05. Review status: criteria provided, single submitter. Criteria: ACMG Guidelines, 2015. Collection method: clinical testing. Allele origin: germline. Inheritance: Autosomal dominant inheritance. Observed: 1 variant allele, 1 heterozygote.
Comment: This missense variant replaces cysteine with tyrosine at codon 1117 of the MSH6 protein. Computational prediction suggests that this variant may not impact protein structure and function (internally defined REVEL score threshold <= 0.5, PMID: 27666373). To our knowledge, functional studies have not been reported for this variant. This variant has not been reported in individuals affected with MSH6-related disorders in the literature. This variant has not been identified in the general population by the Genome Aggregation Database (gnomAD). The available evidence is insufficient to determine the role of this variant in disease conclusively. Therefore, this variant is classified as a Variant of Uncertain Significance.

This study involves interpretation of variants in research participants for the purpose of population health screening. Participant phenotype was not available at the time of variant classification. Additional details can be found in publication PMID: 35346344, PMCID: PMC8962531

Color Diagnostics, LLC DBA Color Health
Classification: Uncertain significance for Hereditary cancer-predisposing syndrome. Last evaluated: 2023-11-22. Review status: criteria provided, single submitter. Criteria: ACMG Guidelines, 2015. Collection method: clinical testing. Allele origin: germline.
Comment: This missense variant replaces cysteine with tyrosine at codon 1117 of the MSH6 protein. Computational prediction suggests that this variant may not impact protein structure and function (internally defined REVEL score threshold <= 0.5, PMID: 27666373). To our knowledge, functional studies have not been reported for this variant. This variant has not been reported in individuals affected with MSH6-related disorders in the literature. This variant has not been identified in the general population by the Genome Aggregation Database (gnomAD). The available evidence is insufficient to determine the role of this variant in disease conclusively. Therefore, this variant is classified as a Variant of Uncertain Significance.

GeneDx
Classification: Uncertain significance. Last evaluated: 2019-11-26. Review status: criteria provided, single submitter. Criteria: GeneDx Variant Classification Process June 2021. Collection method: clinical testing. Allele origin: germline. Affected: yes.
Comment: Not observed in large population cohorts (Lek 2016); In silico analysis, which includes protein predictors and evolutionary conservation, supports a deleterious effect; Has not been previously published as pathogenic or benign to our knowledge

Literature cited by the submitters: PubMed 29245953 (cited by Quest Diagnostics Nichols Institute San Juan Capistrano); PubMed 33471991 (cited by Quest Diagnostics Nichols Institute San Juan Capistrano).